The following is an entry in ClinVar:

ClinVar aggregate classification (germline): Uncertain significance. Review status: criteria provided, multiple submitters, no conflicts (2 of 4 stars). 4 submissions from 4 submitters: Uncertain significance (4). Last evaluated 2024-09-21.

Conditions:
Hereditary pulmonary alveolar proteinosis. Also called: Pulmonary surfactant metabolism dysfunction. Identifiers: Orphanet 264675, MedGen C3711368, MONDO:0012580.

Allele frequency attached by ClinVar (database versions not stated): gnomAD exomes 0.00003 and 0.00008; ExAC 0.00008; ESP Exome Variant Server 0.00031; 1000 Genomes Project 0.00040; gnomAD 0.00043 and 0.00046; TOPMed 0.00043; 1000 Genomes Project 30x 0.00062.
gnomAD v4.1: 113 of 1,606,182 alleles (0.007%); highest among the groups gnomAD compares: African/African-American, 0.13%; 1 homozygote.

Submissions (4):

Blueprint Genetics
Classification: Uncertain significance. Last evaluated: 2024-09-21. Review status: criteria provided, single submitter. Criteria: ACMG Guidelines, 2015. Collection method: clinical testing. Allele origin: germline.

Ambry Genetics
Classification: Uncertain significance for Hereditary pulmonary alveolar proteinosis. Last evaluated: 2024-09-03. Review status: criteria provided, single submitter. Criteria: Ambry Variant Classification Scheme 2023. Collection method: clinical testing. Allele origin: germline.

Labcorp Genetics (formerly Invitae), Labcorp
Classification: Uncertain significance. Last evaluated: 2022-03-04. Review status: criteria provided, single submitter. Criteria: Invitae Variant Classification Sherloc (09022015). Collection method: clinical testing. Allele origin: germline.
Comment: This sequence change replaces aspartic acid, which is acidic and polar, with asparagine, which is neutral and polar, at codon 952 of the ABCA3 protein (p.Asp952Asn). This variant is present in population databases (rs144138653, gnomAD 0.1%). This variant has not been reported in the literature in individuals affected with ABCA3-related conditions. ClinVar contains an entry for this variant (Variation ID: 498227). Algorithms developed to predict the effect of missense changes on protein structure and function (SIFT, PolyPhen-2, Align-GVGD) all suggest that this variant is likely to be tolerated. In summary, the available evidence is currently insufficient to determine the role of this variant in disease. Therefore, it has been classified as a Variant of Uncertain Significance.

Eurofins Ntd Llc (ga)
Classification: Uncertain significance. Last evaluated: 2016-11-22. Review status: criteria provided, single submitter. Criteria: EGL Classification Definitions 2015. Collection method: clinical testing. Allele origin: germline. Observed: 1 variant allele, 1 heterozygote.

NM_001089.3(ABCA3):c.2854G>A (p.Asp952Asn)

Gene: ABCA3 (ATP binding cassette subfamily A member 3; minus strand). Cytogenetic location: 16p13.3.
Variant type: single nucleotide variant.
Coding change: c.2854G>A on transcript NM_001089.3 (MANE Select); coding-DNA position 2854, G replaced by A.
Protein change: p.Asp952Asn; replaces aspartic acid 952 with asparagine.
Molecular consequence: missense variant.
Genome position (GRCh38, 1-based): chr16:2,288,176, C>T on the plus strand (G>A on the coding strand, the complement: ABCA3 is on the minus strand). VCF-style: chr16-2288176-C-T. GRCh37 (hg19) VCF-style: chr16-2338177-C-T.
Other names: short protein forms D952N.
Identifiers: ClinVar variation 498227 (VCV000498227.10), dbSNP rs144138653, ClinGen allele CA7840688.
Genomic context (GRCh38, chr16:2,288,176, plus strand): 5'-CTGAGAAGGGCACGACGGTTCTGCCGTACTCGCCCAAGGTCAGCCTCAGCATGGGGTCGT[C>T]GAAGAGCTCCGAGGAGTAGTTGATGGCCAGGAGGGCCAGGGTGACGCAGGTCAGAGGCAC-3'
Protein context (NP_001080.2, residues 942-962): LAINYSSELF[Asp952Asn]DPMLRLTLGE